The following is an entry in ClinVar:

NM_016239.4(MYO15A):c.10089del (p.Val3364fs)

Gene: MYO15A (myosin XVA; plus strand). Cytogenetic location: 17p11.2.
Variant type: Deletion.
Coding change: c.10089del on transcript NM_016239.4 (MANE Select); coding-DNA position 10089, one base deleted (A; older notation c.10089delA).
Protein change: p.Val3364fs; shifts the reading frame from valine 3364.
Molecular consequence: frameshift variant.
Genome position (GRCh38, 1-based): chr17:18,171,644, A deleted; the last of 2 consecutive A bases (chr17:18,171,643-18,171,644); deleting either gives the same sequence. VCF-style (leftmost placement, unchanged base first): chr17-18171642-GA-G. GRCh37 (hg19) VCF-style: chr17-18074956-GA-G.
Other names: short protein forms V3364fs.
Identifiers: ClinVar variation 2717084 (VCV002717084.3), dbSNP rs2545334534, ClinGen allele CA2697559494.

ClinVar aggregate classification (germline): Pathogenic (1 of 4 stars; one submission).

Submission:

Labcorp Genetics (formerly Invitae), Labcorp
Classification: Pathogenic. Last evaluated: 2023-06-16. Review status: criteria provided, single submitter. Criteria: Invitae Variant Classification Sherloc (09022015). Collection method: clinical testing. Allele origin: germline.
Comment: This sequence change creates a premature translational stop signal (p.Val3364Serfs*89) in the MYO15A gene. While this is not anticipated to result in nonsense mediated decay, it is expected to disrupt the last 167 amino acid(s) of the MYO15A protein. This variant is not present in population databases (gnomAD no frequency). This variant has not been reported in the literature in individuals affected with MYO15A-related conditions. This variant disrupts a region of the MYO15A protein in which other variant(s) (p.Gln3403delins7) have been determined to be pathogenic (PMID: 27375115; Invitae). This suggests that this is a clinically significant region of the protein, and that variants that disrupt it are likely to be disease-causing. For these reasons, this variant has been classified as Pathogenic.

Literature cited by the submitters: PubMed 27375115.